The following is an entry in ClinVar:

NC_000005.10:g.112707492G>T

Genes: APC (APC regulator of Wnt signaling pathway; plus strand), LOC129994371 (ATAC-STARR-seq lymphoblastoid active region 22910; plus strand). Cytogenetic location: 5q22.2.
Variant type: single nucleotide variant.
Genome position: GRCh38 VCF-style: chr5-112707492-G-T. GRCh37 (hg19) VCF-style: chr5-112043189-G-T.
Identifiers: ClinVar variation 2179224 (VCV002179224.5), dbSNP rs2149629073, ClinGen allele CA2580072260.
Genomic context (GRCh38, chr5:112,707,492, plus strand): 5'-TGCGCCTGCGCATAACAGGCTCTAGTCTCCGGGCTGTGGGAAGCCAGCAACACCTCTCAC[G>T]CATGCGCATTGTAGTCTTCCCACCTCCCACAAGATGGCGGAGGGCAAGTAGCAAGGGGGC-3'

ClinVar aggregate classification (germline): Uncertain significance (1 of 4 stars; one submission).

Conditions:
Familial adenomatous polyposis 1 (FAP1). Also called: POLYPOSIS, ADENOMATOUS INTESTINAL; FAMILIAL ADENOMATOUS POLYPOSIS 1, ATTENUATED. Identifiers: MedGen C2713442, MONDO:0021056, OMIM 175100. Disease mechanism: loss of function.

Submission:

Labcorp Genetics (formerly Invitae), Labcorp
Classification: Uncertain significance for Familial adenomatous polyposis 1. Last evaluated: 2025-02-02. Review status: criteria provided, single submitter. Criteria: Invitae Variant Classification Sherloc (09022015). Collection method: clinical testing. Allele origin: germline.
Comment: This variant occurs in a non-coding region of the APC gene. It does not change the encoded amino acid sequence of the APC protein. This variant is not present in population databases (gnomAD no frequency). This variant has not been reported in the literature in individuals affected with APC-related conditions. Experimental studies and prediction algorithms are not available or were not evaluated, and the functional significance of this variant is currently unknown. In summary, the available evidence is currently insufficient to determine the role of this variant in disease. Therefore, it has been classified as a Variant of Uncertain Significance.